The following is an entry in ClinVar:

NM_182978.4(GNAL):c.268A>G (p.Lys90Glu)

Gene: GNAL (G protein subunit alpha L; plus strand). Cytogenetic location: 18p11.21.
Variant type: single nucleotide variant.
Coding change: c.268A>G on transcript NM_182978.4 (MANE Select); coding-DNA position 268, A replaced by G.
Protein change: p.Lys90Glu; replaces lysine 90 with glutamic acid.
Molecular consequence: missense variant.
Genome position (GRCh38, 1-based): chr18:11,689,831, A>G. VCF-style: chr18-11689831-A-G. GRCh37 (hg19) VCF-style: chr18-11689830-A-G.
Other names: short protein forms K90E.
Identifiers: ClinVar variation 648506 (VCV000648506.7), dbSNP rs767615710, ClinGen allele CA8893794.

ClinVar aggregate classification (germline): Uncertain significance (1 of 4 stars; one submission).

Conditions:
Dystonic disorder. Also called: Dystonia. Identifiers: MedGen C0013421, MONDO:0003441, HP:0001332.

Allele frequency attached by ClinVar (database versions not stated): ExAC below 0.00001; gnomAD 0.00001; gnomAD exomes 0.00002 and 0.00004; TOPMed 0.00006.
gnomAD v4.1: 22 of 1,537,564 alleles (0.0014%); highest among the groups gnomAD compares: South Asian, 0.0024%; no homozygotes.

Submission:

Labcorp Genetics (formerly Invitae), Labcorp
Classification: Uncertain significance for Dystonic disorder. Last evaluated: 2018-08-29. Review status: criteria provided, single submitter. Criteria: Invitae Variant Classification Sherloc (09022015). Collection method: clinical testing. Allele origin: germline.
Comment: This sequence change replaces lysine with glutamic acid at codon 90 of the GNAL protein (p.Lys90Glu). The lysine residue is weakly conserved and there is a small physicochemical difference between lysine and glutamic acid. The GNAL gene has multiple clinically relevant isoforms. The c.268A>G variant occurs in alternate transcript NM_182978.3, which corresponds to position c.-61978A>G in NM_001142339.2, the primary transcript listed in the Methods. The frequency data for this variant in the population databases is considered unreliable, as metrics indicate poor data quality at this position in the ExAC database. This variant has not been reported in the literature in individuals with GNAL-related disease. Algorithms developed to predict the effect of missense changes on protein structure and function are either unavailable or do not agree on the potential impact of this missense change (SIFT: "Deleterious"; PolyPhen-2: "Benign"; Align-GVGD: "Class C0"). In summary, the available evidence is currently insufficient to determine the role of this variant in disease. Therefore, it has been classified as a Variant of Uncertain Significance.